The following is an entry in ClinVar:

ClinVar aggregate classification (germline): Uncertain significance (1 of 4 stars; one submission).

gnomAD v4.1: 2 of 1,551,834 alleles (0.00013%); highest among the groups gnomAD compares: African/African-American, 0.0014%; no homozygotes.

Submission:

Labcorp Genetics (formerly Invitae), Labcorp
Classification: Uncertain significance. Last evaluated: 2025-10-14. Review status: criteria provided, single submitter. Criteria: Invitae Variant Classification Sherloc (09022015). Collection method: clinical testing. Allele origin: germline.
Comment: This sequence change replaces glycine, which is neutral and non-polar, with alanine, which is neutral and non-polar, at codon 247 of the FOXI3 protein (p.Gly247Ala). This variant is present in population databases (no rsID available, gnomAD 0.007%). This variant has not been reported in the literature in individuals affected with FOXI3-related conditions. Experimental studies and prediction algorithms are not available or were not evaluated, and the functional significance of this variant is currently unknown. In summary, the available evidence is currently insufficient to determine the role of this variant in disease. Therefore, it has been classified as a Variant of Uncertain Significance.

NM_001135649.3(FOXI3):c.740G>C (p.Gly247Ala)

Gene: FOXI3 (forkhead box I3; minus strand). Cytogenetic location: 2p11.2.
Variant type: single nucleotide variant.
Coding change: c.740G>C on transcript NM_001135649.3 (MANE Select); coding-DNA position 740, G replaced by C.
Protein change: p.Gly247Ala; replaces glycine 247 with alanine.
Molecular consequence: missense variant.
Genome position (GRCh38, 1-based): chr2:88,448,730, C>G on the plus strand (G>C on the coding strand, the complement: FOXI3 is on the minus strand). VCF-style: chr2-88448730-C-G. GRCh37 (hg19) VCF-style: chr2-88748249-C-G.
Other names: short protein forms G247A.
Identifiers: ClinVar variation 4761501 (VCV004761501.1).